The following is an entry in ClinVar:

NM_000540.3(RYR1):c.11194-7T>G

Gene: RYR1 (ryanodine receptor 1; plus strand). Cytogenetic location: 19q13.2.
Variant type: single nucleotide variant.
Coding change: c.11194-7T>G on transcript NM_000540.3 (MANE Select); 7 bases into the intron before coding-DNA position 11194, T replaced by G.
Molecular consequence: intron variant.
Genome position (GRCh38, 1-based): chr19:38,532,664, T>G. VCF-style: chr19-38532664-T-G. GRCh37 (hg19) VCF-style: chr19-39023304-T-G.
Other names: c.11179-7T>G (NM_001042723.2).
Identifiers: ClinVar variation 2635109 (VCV002635109.1), dbSNP rs2514517022, ClinGen allele CA2695198199.

ClinVar aggregate classification (germline): Uncertain significance (1 of 4 stars; one submission).

Conditions:
RYR1-related disorder. Also called: RYR1-related condition; RYR1-related disorders. Identifiers: MedGen CN239331.

Submission:

PreventionGenetics, part of Exact Sciences
Classification: Uncertain significance for RYR1-related condition. Last evaluated: 2022-11-11. Review status: criteria provided, single submitter. Criteria: ACMG Guidelines, 2015. Collection method: clinical testing. Allele origin: germline.
Comment: The RYR1 c.11194-7T>G variant is predicted to interfere with splicing. Based on available splicing prediction programs this variant is predicted to weaken the canonical splice acceptor site (Alamut Visual Plus v1.6.1). However, such computer prediction programs are imperfect. To our knowledge, this variant has not been reported in the literature or in a large population database, indicating this variant is rare. At this time, the clinical significance of this variant is uncertain due to the absence of conclusive functional and genetic evidence.